The following is an entry in ClinVar:

NM_001104631.2(PDE4D):c.1337C>T (p.Thr446Ile)

Gene: PDE4D (phosphodiesterase 4D; minus strand). Cytogenetic location: 5q11.2.
Variant type: single nucleotide variant.
Coding change: c.1337C>T on transcript NM_001104631.2 (MANE Select); coding-DNA position 1337, C replaced by T.
Protein change: p.Thr446Ile; replaces threonine 446 with isoleucine.
Molecular consequence: missense variant.
Genome position (GRCh38, 1-based): chr5:58,989,870, G>A on the plus strand (C>T on the coding strand, the complement: PDE4D is on the minus strand). VCF-style: chr5-58989870-G-A. GRCh37 (hg19) VCF-style: chr5-58285697-G-A.
Other names: c.1154C>T, p.Thr385Ile (NM_001165899.2, NM_001364599.1); c.1145C>T, p.Thr382Ile (NM_001197218.2); c.971C>T, p.Thr324Ile (NM_001197219.2); c.947C>T, p.Thr316Ile (NM_001197220.2); c.431C>T, p.Thr144Ile (NM_001197221.2, NM_001364603.1); c.665C>T, p.Thr222Ile (NM_001197222.2); c.464C>T, p.Thr155Ile (NM_001197223.2); c.1124C>T, p.Thr375Ile (NM_001349241.2); and 3 more; short protein forms T190I, T385I, T144I, T324I, T336I, T310I, T316I, T375I.
Identifiers: ClinVar variation 1476149 (VCV001476149.8), dbSNP rs2153338377, ClinGen allele CA359817189.

ClinVar aggregate classification (germline): Uncertain significance (1 of 4 stars; one submission).

Submission:

Labcorp Genetics (formerly Invitae), Labcorp
Classification: Uncertain significance. Last evaluated: 2022-02-05. Review status: criteria provided, single submitter. Criteria: Invitae Variant Classification Sherloc (09022015). Collection method: clinical testing. Allele origin: germline.
Comment: This variant has not been reported in the literature in individuals affected with PDE4D-related conditions. This variant is not present in population databases (gnomAD no frequency). This sequence change replaces threonine, which is neutral and polar, with isoleucine, which is neutral and non-polar, at codon 446 of the PDE4D protein (p.Thr446Ile). Algorithms developed to predict the effect of missense changes on protein structure and function are either unavailable or do not agree on the potential impact of this missense change (SIFT: "Tolerated"; PolyPhen-2: "Probably Damaging"; Align-GVGD: "Class C0"). In summary, the available evidence is currently insufficient to determine the role of this variant in disease. Therefore, it has been classified as a Variant of Uncertain Significance.